The following is an entry in ClinVar:

ClinVar aggregate classification (germline): Pathogenic (1 of 4 stars; one submission).

Conditions:
BICD2-related Autosomal recessive Cohen Like syndrome.

Submission:

3billion
Classification: Pathogenic for BICD2-related Autosomal recessive Cohen Like syndrome. Last evaluated: 2023-08-01. Review status: criteria provided, single submitter. Criteria: ACMG Guidelines, 2015. Collection method: clinical testing. Allele origin: germline. Affected: yes.
Comment: The variant is not observed in the gnomAD v2.1.1 dataset. Predicted Consequence/Location: Stop-gained (nonsense): predicted to result in a loss or disruption of normal protein function through nonsense-mediated decay (NMD) or protein truncation. Therefore, this variant is classified as VUS according to the recommendation of ACMG/AMP guideline.

NM_001003800.2(BICD2):c.342C>G (p.Tyr114Ter)

Gene: BICD2 (BICD cargo adaptor 2; minus strand). Cytogenetic location: 9q22.31.
Variant type: single nucleotide variant.
Coding change: c.342C>G on transcript NM_001003800.2 (MANE Select); coding-DNA position 342, C replaced by G.
Protein change: p.Tyr114Ter; replaces tyrosine 114 with a stop codon.
Molecular consequence: nonsense.
Genome position (GRCh38, 1-based): chr9:92,729,135, G>C on the plus strand (C>G on the coding strand, the complement: BICD2 is on the minus strand). VCF-style: chr9-92729135-G-C. GRCh37 (hg19) VCF-style: chr9-95491417-G-C.
Other names: c.342C>G, p.Tyr114Ter (NM_015250.4); short protein forms Y114*.
Identifiers: ClinVar variation 3775573 (VCV003775573.1).
Genomic context (GRCh38, chr9:92,729,135, plus strand): 5'-GTTGGTGAGGACATTGCGCAACTGCTTCAGCTCCGTCTGCAGCTCTAGCACCTTCCGCAC[G>C]TAGTACTGCTCCTTGGAGGCCGACTCCTGGATCAGGCTCTCCTCCCGGCTCTCTCCGTCA-3'